The following is an entry in ClinVar:

NM_020207.7(ERCC6L2):c.3409_3410del (p.Met1137fs)

Gene: ERCC6L2 (ERCC excision repair 6 like 2; plus strand). Cytogenetic location: 9q22.32.
Variant type: Deletion.
Coding change: c.3409_3410del on transcript NM_020207.7 (MANE Select); coding-DNA positions 3409 to 3410, 2 bases deleted (AT; older notation c.3409_3410delAT).
Protein change: p.Met1137fs; shifts the reading frame from methionine 1137.
Molecular consequence: frameshift variant. On other transcripts: non-coding transcript variant (1).
Genome position (GRCh38, 1-based): chr9:95,978,132-95,978,133, AT deleted. VCF-style (leftmost placement, unchanged base first): chr9-95978131-CAT-C. GRCh37 (hg19) VCF-style: chr9-98740413-CAT-C.
Other names: c.3442_3443delAT (NM_020207.4); c.3409_3410del, p.Met1137fs (NM_001375291.1, NM_001375292.1, NM_001375293.1 and 1 more transcripts); c.3409_3410delAT (NM_020207.7); short protein forms M1137fs.
Identifiers: ClinVar variation 1174151 (VCV001174151.5), dbSNP rs752184595, ClinGen allele CA5139913.
Genomic context (GRCh38, chr9:95,978,131, plus strand): 5'-GGAAGTGGCTTATATTCACTCAAACCAGAATGTAATTGGATCGAGCAAAGCTGAAAATCA[CAT>C]GAGCCGATGGGCAGCACATGACGTATTTGAGTTGAAGCAGTTTTCTCAGCTGCCTGCTAA-3'

ClinVar aggregate classification (germline): Pathogenic. Review status: criteria provided, multiple submitters, no conflicts (2 of 4 stars). 2 submissions from 2 submitters: Pathogenic (2). Last evaluated 2024-11-26.

Conditions:
ERCC6L2-related disorder. Also called: ERCC6L2-related condition.

Allele frequency attached by ClinVar (database versions not stated): ExAC 0.00001; gnomAD 0.00001; TOPMed 0.00001; gnomAD exomes 0.00002 and 0.00003.

Submissions (2):

PreventionGenetics, part of Exact Sciences
Classification: Pathogenic for ERCC6L2-related condition. Last evaluated: 2024-11-26. Review status: criteria provided, single submitter. Criteria: ACMG Guidelines, 2015. Collection method: clinical testing. Allele origin: germline.
Comment: The ERCC6L2 c.3442_3443delAT variant is predicted to result in a frameshift and premature protein termination (p.Met1148Glufs*7). This variant has been reported in an individual with bone marrow failure (Table S2, Tummala et al. 2018. PubMed ID: 29987015). This variant is reported in 0.0062% of alleles in individuals of African descent in gnomAD. Nonsense variants in ERCC6L are expected to be pathogenic. This variant is interpreted as pathogenic.

Labcorp Genetics (formerly Invitae), Labcorp
Classification: Pathogenic. Last evaluated: 2023-08-27. Review status: criteria provided, single submitter. Criteria: Invitae Variant Classification Sherloc (09022015). Collection method: clinical testing. Allele origin: germline.
Comment: This sequence change creates a premature translational stop signal (p.Met1148Glufs*7) in the ERCC6L2 gene. It is expected to result in an absent or disrupted protein product. Loss-of-function variants in ERCC6L2 are known to be pathogenic (PMID: 24507776, 27185855, 29146883, 29987015). This variant is present in population databases (rs752184595, gnomAD 0.007%). This premature translational stop signal has been observed in individual(s) with bone marrow failure (PMID: 29987015). ClinVar contains an entry for this variant (Variation ID: 1174151). For these reasons, this variant has been classified as Pathogenic.

Literature cited by the submitters: PubMed 24507776 (cited by Labcorp Genetics (formerly Invitae), Labcorp); PubMed 27185855 (cited by Labcorp Genetics (formerly Invitae), Labcorp); PubMed 29146883 (cited by Labcorp Genetics (formerly Invitae), Labcorp); PubMed 29987015 (cited by Labcorp Genetics (formerly Invitae), Labcorp).